The following is an entry in ClinVar:

NM_015295.3(SMCHD1):c.131C>T (p.Pro44Leu)

Gene: SMCHD1 (structural maintenance of chromosomes flexible hinge domain containing 1; plus strand). Cytogenetic location: 18p11.32.
Variant type: single nucleotide variant.
Coding change: c.131C>T on transcript NM_015295.3 (MANE Select); coding-DNA position 131, C replaced by T.
Protein change: p.Pro44Leu; replaces proline 44 with leucine.
Molecular consequence: missense variant.
Genome position (GRCh38, 1-based): chr18:2,656,206, C>T. VCF-style: chr18-2656206-C-T. GRCh37 (hg19) VCF-style: chr18-2656205-C-T.
Other names: short protein forms P44L.
Identifiers: ClinVar variation 2782399 (VCV002782399.3), dbSNP rs750199501, ClinGen allele CA8870462.

ClinVar aggregate classification (germline): Uncertain significance (1 of 4 stars; one submission).

Conditions:
Facioscapulohumeral muscular dystrophy 2 (FSHD2). Also called: FACIOSCAPULOHUMERAL MUSCULAR DYSTROPHY 2, DIGENIC; FSHD2, DIGENIC; MUSCULAR DYSTROPHY, FACIOSCAPULOHUMERAL, TYPE 1B. Identifiers: Orphanet 269, MedGen C1834671, MONDO:0008031, OMIM 158901.

Allele frequency attached by ClinVar (database versions not stated): gnomAD exomes below 0.00001; ExAC 0.00001.
gnomAD v4.1: 1 of 1,506,380 alleles (0.000066%); highest among the groups gnomAD compares: Admixed American, 0.0027%; no homozygotes.

Submission:

Labcorp Genetics (formerly Invitae), Labcorp
Classification: Uncertain significance for Facioscapulohumeral muscular dystrophy 2. Last evaluated: 2025-01-06. Review status: criteria provided, single submitter. Criteria: Invitae Variant Classification Sherloc (09022015). Collection method: clinical testing. Allele origin: germline.
Comment: This sequence change replaces proline, which is neutral and non-polar, with leucine, which is neutral and non-polar, at codon 44 of the SMCHD1 protein (p.Pro44Leu). The frequency data for this variant in the population databases is considered unreliable, as metrics indicate poor data quality at this position in the gnomAD database. This variant has not been reported in the literature in individuals affected with SMCHD1-related conditions. ClinVar contains an entry for this variant (Variation ID: 2782399). An algorithm developed to predict the effect of missense changes on protein structure and function outputs the following: PolyPhen-2: "Benign". The leucine amino acid residue is found in multiple mammalian species, which suggests that this missense change does not adversely affect protein function. In summary, the available evidence is currently insufficient to determine the role of this variant in disease. Therefore, it has been classified as a Variant of Uncertain Significance.